The following is an entry in ClinVar:

ClinVar aggregate classification (germline): Likely benign. Review status: criteria provided, multiple submitters, no conflicts (2 of 4 stars). 2 submissions from 2 submitters: Likely benign (2). Last evaluated 2025-07-02.

Conditions:
IFT172-related disorder. Also called: IFT172-related condition; IFT172-related disorders.
Short-rib thoracic dysplasia 10 with or without polydactyly (SRTD10). Identifiers: Orphanet 474, MedGen C3810175, MONDO:0014284, OMIM 615630.
Retinitis pigmentosa 71 (RP71). Identifiers: Orphanet 791, MedGen C4225342, MONDO:0014618, OMIM 616394.

gnomAD v4.1: 2 of 1,614,166 alleles (0.00012%); highest among the groups gnomAD compares: Admixed American, 0.0017%; no homozygotes.

Submissions (2):

PreventionGenetics, part of Exact Sciences
Classification: Likely benign for IFT172-related condition. Last evaluated: 2025-07-02. Review status: criteria provided, single submitter. Criteria: ACMG Guidelines, 2015. Collection method: clinical testing. Allele origin: germline.
Comment: This variant is classified as likely benign based on ACMG/AMP sequence variant interpretation guidelines (Richards et al. 2015 PMID: 25741868, with internal and published modifications).

Labcorp Genetics (formerly Invitae), Labcorp
Classification: Likely benign for Retinitis pigmentosa 71; Short-rib thoracic dysplasia 10 with or without polydactyly. Last evaluated: 2024-03-07. Review status: criteria provided, single submitter. Criteria: Invitae Variant Classification Sherloc (09022015). Collection method: clinical testing. Allele origin: germline.

NM_015662.3(IFT172):c.2979A>T (p.Leu993=)

Gene: IFT172 (intraflagellar transport 172; minus strand). Cytogenetic location: 2p23.3.
Variant type: single nucleotide variant.
Coding change: c.2979A>T on transcript NM_015662.3 (MANE Select); coding-DNA position 2979, A replaced by T.
Protein change: p.Leu993=; no amino-acid change (leucine 993 retained).
Molecular consequence: synonymous variant.
Genome position (GRCh38, 1-based): chr2:27,457,973, T>A on the plus strand (A>T on the coding strand, the complement: IFT172 is on the minus strand). VCF-style: chr2-27457973-T-A. GRCh37 (hg19) VCF-style: chr2-27680840-T-A.
Other names: c.2913A>T, p.Leu971= (NM_001410739.1); c.2979A>T (NM_015662.2).
Identifiers: ClinVar variation 3747936 (VCV003747936.3).
Genomic context (GRCh38, chr2:27,457,973, plus strand): 5'-ATACAACTTGTGCTTTTTGTACATGGTGATGGCAAGATCAGGCTCTTGTACTGTCACATA[T>A]AGCCTGGGGAAGGAGATACATCTGGGGCCTCCTAGACCCGACCCCTGCTATCACTGCCTT-3'
Protein context (NP_056477.1, residues 983-1003): KQGKYREAER[Leu993=]YVTVQEPDLA